The following is an entry in ClinVar:

ClinVar aggregate classification (germline): Uncertain significance. Review status: criteria provided, multiple submitters, no conflicts (2 of 4 stars). 4 submissions from 4 submitters: Uncertain significance (3). 1 of the submissions does not count toward it. Last evaluated 2025-10-15.

Conditions:
STK11-related disorder. Also called: STK11-related condition.
Peutz-Jeghers syndrome (PJS). Also called: Peutz-Jeghers polyposis; Periorificial lentiginosis syndrome; POLYPOSIS, HAMARTOMATOUS INTESTINAL; POLYPS-AND-SPOTS SYNDROME. Identifiers: Orphanet 2869, MedGen C0031269, MeSH D010580, MONDO:0008280, OMIM 175200.
Hereditary cancer-predisposing syndrome. Also called: Hereditary Cancer Syndrome; Neoplastic Syndromes, Hereditary; Hereditary neoplastic syndrome; Tumor predisposition. Identifiers: Orphanet 140162, MedGen C0027672, MeSH D009386, MONDO:0015356.
Melanoma, cutaneous malignant, susceptibility to, 1 (CMM1). Also called: DYSPLASTIC NEVUS SYNDROME, HEREDITARY; FAMILIAL ATYPICAL MOLE-MALIGNANT MELANOMA SYNDROME; MELANOMA, MALIGNANT; B-K MOLE SYNDROME. Identifiers: Orphanet 618, MedGen C1835047, MONDO:0007963, OMIM 155600.

gnomAD v4.1: 3 of 1,611,668 alleles (0.00019%); highest among the groups gnomAD compares: Non-Finnish European, 0.00025%; no homozygotes.

Submissions (4):

Labcorp Genetics (formerly Invitae), Labcorp
Classification: Uncertain significance for Peutz-Jeghers syndrome. Last evaluated: 2025-10-15. Review status: criteria provided, single submitter. Criteria: Invitae Variant Classification Sherloc (09022015). Collection method: clinical testing. Allele origin: germline.
Comment: This sequence change replaces threonine, which is neutral and polar, with asparagine, which is neutral and polar, at codon 363 of the STK11 protein (p.Thr363Asn). The frequency data for this variant in the population databases is considered unreliable, as metrics indicate poor data quality at this position in the gnomAD database. This variant has not been reported in the literature in individuals affected with STK11-related conditions. ClinVar contains an entry for this variant (Variation ID: 818352). Invitae Evidence Modeling of protein sequence and biophysical properties (such as structural, functional, and spatial information, amino acid conservation, physicochemical variation, residue mobility, and thermodynamic stability) indicates that this missense variant is not expected to disrupt STK11 protein function with a negative predictive value of 95%. In summary, the available evidence is currently insufficient to determine the role of this variant in disease. Therefore, it has been classified as a Variant of Uncertain Significance.

Baylor Genetics
Classification: Uncertain significance for Melanoma, cutaneous malignant, susceptibility to, 1. Last evaluated: 2024-01-30. Review status: criteria provided, single submitter. Criteria: ACMG Guidelines, 2015. Collection method: clinical testing. Allele origin: unknown.

Ambry Genetics
Classification: Uncertain significance for Hereditary cancer-predisposing syndrome. Last evaluated: 2022-03-29. Review status: criteria provided, single submitter. Criteria: Ambry Variant Classification Scheme 2023. Collection method: clinical testing. Allele origin: germline.
Comment: The p.T363N variant (also known as c.1088C>A), located in coding exon 8 of the STK11 gene, results from a C to A substitution at nucleotide position 1088. The threonine at codon 363 is replaced by asparagine, an amino acid with similar properties. This amino acid position is highly conserved in available vertebrate species. In addition, this alteration is predicted to be tolerated by in silico analysis. Since supporting evidence is limited at this time, the clinical significance of this alteration remains unclear.

PreventionGenetics, part of Exact Sciences
Classification: Uncertain significance for STK11-related condition. Last evaluated: 2024-03-27. Review status: no assertion criteria provided. Collection method: clinical testing. Allele origin: germline. Not counted in ClinVar's aggregate classification.
Comment: The STK11 c.1088C>A variant is predicted to result in the amino acid substitution p.Thr363Asn. To our knowledge, this variant has not been reported in the literature. This variant is reported in 0.00090% of alleles in individuals of European (Non-Finnish) descent in gnomAD. This variant is interpreted as a variant of uncertain significance in ClinVar. At this time, the clinical significance of this variant is uncertain due to the absence of conclusive functional and genetic evidence.

NM_000455.5(STK11):c.1088C>A (p.Thr363Asn)

Genes: STK11 (serine/threonine kinase 11; plus strand), LOC130062899 (ATAC-STARR-seq lymphoblastoid active region 13597; plus strand). Cytogenetic location: 19p13.3.
Variant type: single nucleotide variant.
Coding change: c.1088C>A on transcript NM_000455.5 (MANE Select); coding-DNA position 1088, C replaced by A.
Protein change: p.Thr363Asn; replaces threonine 363 with asparagine.
Molecular consequence: missense variant.
Genome position (GRCh38, 1-based): chr19:1,223,152, C>A. VCF-style: chr19-1223152-C-A. GRCh37 (hg19) VCF-style: chr19-1223151-C-A.
Other names: short protein forms T363N.
Identifiers: ClinVar variation 818352 (VCV000818352.7), dbSNP rs587778695, ClinGen allele CA045107.